The following is an entry in ClinVar:

ClinVar aggregate classification (germline): Uncertain significance (1 of 4 stars; one submission).

Allele frequency attached by ClinVar (database versions not stated): gnomAD 0.00003; ExAC 0.00004; TOPMed 0.00006; ESP Exome Variant Server 0.00015.
gnomAD v4.1: 226 of 1,614,032 alleles (0.014%); highest among the groups gnomAD compares: Non-Finnish European, 0.018%; no homozygotes.

Submission:

Labcorp Genetics (formerly Invitae), Labcorp
Classification: Uncertain significance. Last evaluated: 2023-03-01. Review status: criteria provided, single submitter. Criteria: Invitae Variant Classification Sherloc (09022015). Collection method: clinical testing. Allele origin: germline.
Comment: This variant is present in population databases (rs201707941, gnomAD 0.006%). This sequence change replaces glutamic acid, which is acidic and polar, with aspartic acid, which is acidic and polar, at codon 780 of the NIN protein (p.Glu780Asp). This variant has not been reported in the literature in individuals affected with NIN-related conditions. In summary, the available evidence is currently insufficient to determine the role of this variant in disease. Therefore, it has been classified as a Variant of Uncertain Significance. An algorithm developed to predict the effect of missense changes on protein structure and function (PolyPhen-2) suggests that this variant is likely to be disruptive.

NM_020921.4(NIN):c.2340G>C (p.Glu780Asp)

Gene: NIN (ninein; minus strand). Cytogenetic location: 14q22.1.
Variant type: single nucleotide variant.
Coding change: c.2340G>C on transcript NM_020921.4 (MANE Select); coding-DNA position 2340, G replaced by C.
Protein change: p.Glu780Asp; replaces glutamic acid 780 with aspartic acid.
Molecular consequence: missense variant.
Genome position (GRCh38, 1-based): chr14:50,759,916, C>G on the plus strand (G>C on the coding strand, the complement: NIN is on the minus strand). VCF-style: chr14-50759916-C-G. GRCh37 (hg19) VCF-style: chr14-51226634-C-G.
Other names: c.2340G>C, p.Glu780Asp (NM_016350.5, NM_182944.3, NM_182946.2); short protein forms E780D.
Identifiers: ClinVar variation 2887213 (VCV002887213.3), dbSNP rs201707941, ClinGen allele CA7181972.